The following is an entry in ClinVar:

NM_024408.4(NOTCH2):c.6129T>A (p.Asp2043Glu)

Gene: NOTCH2 (notch receptor 2; minus strand). Cytogenetic location: 1p12.
Variant type: single nucleotide variant.
Coding change: c.6129T>A on transcript NM_024408.4 (MANE Select); coding-DNA position 6129, T replaced by A.
Protein change: p.Asp2043Glu; replaces aspartic acid 2043 with glutamic acid.
Molecular consequence: missense variant.
Genome position (GRCh38, 1-based): chr1:119,916,593, A>T on the plus strand (T>A on the coding strand, the complement: NOTCH2 is on the minus strand). VCF-style: chr1-119916593-A-T. GRCh37 (hg19) VCF-style: chr1-120459216-A-T.
Other names: short protein forms D2043E.
Identifiers: ClinVar variation 2117419 (VCV002117419.4), dbSNP rs1223756079, ClinGen allele CA341880752.

ClinVar aggregate classification (germline): Uncertain significance (1 of 4 stars; one submission).

Conditions:
Hajdu-Cheney syndrome (HJCYS). Also called: SERPENTINE FIBULA-POLYCYSTIC KIDNEY SYNDROME; ACROOSTEOLYSIS WITH OSTEOPOROSIS AND CHANGES IN SKULL AND MANDIBLE; Acroosteolysis dominant type. Identifiers: Orphanet 955, MedGen C0917715, MONDO:0007057, OMIM 102500.

Allele frequency attached by ClinVar (database versions not stated): gnomAD 0.00001.

Submission:

Labcorp Genetics (formerly Invitae), Labcorp
Classification: Uncertain significance for Hajdu-Cheney syndrome. Last evaluated: 2022-05-25. Review status: criteria provided, single submitter. Criteria: Invitae Variant Classification Sherloc (09022015). Collection method: clinical testing. Allele origin: germline.
Comment: This sequence change replaces aspartic acid, which is acidic and polar, with glutamic acid, which is acidic and polar, at codon 2043 of the NOTCH2 protein (p.Asp2043Glu). This variant is present in population databases (no rsID available, gnomAD no frequency). This variant has not been reported in the literature in individuals affected with NOTCH2-related conditions. Advanced modeling of protein sequence and biophysical properties (such as structural, functional, and spatial information, amino acid conservation, physicochemical variation, residue mobility, and thermodynamic stability) performed at Invitae indicates that this missense variant is not expected to disrupt NOTCH2 protein function. In summary, the available evidence is currently insufficient to determine the role of this variant in disease. Therefore, it has been classified as a Variant of Uncertain Significance.